The following is an entry in ClinVar:

NM_015631.6(TCTN3):c.1203A>G (p.Ser401=)

Gene: TCTN3 (tectonic family member 3; minus strand). Cytogenetic location: 10q24.1.
Variant type: single nucleotide variant.
Coding change: c.1203A>G on transcript NM_015631.6 (MANE Select); coding-DNA position 1203, A replaced by G.
Protein change: p.Ser401=; no amino-acid change (serine 401 retained).
Molecular consequence: synonymous variant.
Genome position (GRCh38, 1-based): chr10:95,683,522, T>C on the plus strand (A>G on the coding strand, the complement: TCTN3 is on the minus strand). VCF-style: chr10-95683522-T-C. GRCh37 (hg19) VCF-style: chr10-97443279-T-C.
Other names: c.1257A>G, p.Ser419= (NM_001013840.1); c.759A>G, p.Ser253= (NM_001143973.2); c.1122A>G, p.Ser374= (NM_001410982.1).
Identifiers: ClinVar variation 2136675 (VCV002136675.1), dbSNP rs775201476, ClinGen allele CA5620926.

ClinVar aggregate classification (germline): Uncertain significance (1 of 4 stars; one submission).

Conditions:
Joubert syndrome 18 (JBTS18). Identifiers: Orphanet 2754, MedGen C3553758, MONDO:0013896, OMIM 614815.
Orofacial-digital syndrome IV (OFD4). Also called: BARAITSER-BURN SYNDROME; OFD SYNDROME WITH TIBIAL DEFECTS; OFD SYNDROME, BARAITSER-BURN TYPE; OFDS IV; ORAL-FACIAL-DIGITAL SYNDROME, TYPE IV; Orofaciodigital syndrome IV. Identifiers: Orphanet 2753, MedGen C0406727, MONDO:0009794, OMIM 258860.

Allele frequency attached by ClinVar (database versions not stated): gnomAD 0.00001; gnomAD exomes 0.00001; ExAC 0.00002; TOPMed 0.00002.

Submission:

Labcorp Genetics (formerly Invitae), Labcorp
Classification: Uncertain significance for Joubert syndrome 18; Orofacial-digital syndrome IV. Last evaluated: 2022-06-16. Review status: criteria provided, single submitter. Criteria: Invitae Variant Classification Sherloc (09022015). Collection method: clinical testing. Allele origin: germline.
Comment: This sequence change affects codon 401 of the TCTN3 mRNA. It is a 'silent' change, meaning that it does not change the encoded amino acid sequence of the TCTN3 protein. It affects a nucleotide within the consensus splice site. This variant is present in population databases (rs775201476, gnomAD 0.003%). This variant has not been reported in the literature in individuals affected with TCTN3-related conditions. Algorithms developed to predict the effect of sequence changes on RNA splicing suggest that this variant may create or strengthen a splice site. In summary, the available evidence is currently insufficient to determine the role of this variant in disease. Therefore, it has been classified as a Variant of Uncertain Significance.